The following is an entry in ClinVar:

NM_001110556.2(FLNA):c.4503C>T (p.Asp1501=)

Gene: FLNA (filamin A; minus strand). Cytogenetic location: Xq28.
Variant type: single nucleotide variant.
Coding change: c.4503C>T on transcript NM_001110556.2 (MANE Select); coding-DNA position 4503, C replaced by T.
Protein change: p.Asp1501=; no amino-acid change (aspartic acid 1501 retained).
Molecular consequence: synonymous variant.
Genome position (GRCh38, 1-based): chrX:154,358,540, G>A on the plus strand (C>T on the coding strand, the complement: FLNA is on the minus strand). VCF-style: chrX-154358540-G-A. GRCh37 (hg19) VCF-style: chrX-153586908-G-A.
Other names: c.4503C>T, p.Asp1501= (NM_001456.4).
Identifiers: ClinVar variation 811130 (VCV000811130.17), dbSNP rs1324926264, ClinGen allele CA519707301.

ClinVar aggregate classification (germline): Conflicting classifications of pathogenicity. Review status: criteria provided, conflicting classifications (1 of 4 stars). 4 submissions from 4 submitters: Uncertain significance (1); Benign (1); Likely benign (2). Last evaluated 2024-07-07.

Conditions:
Heterotopia, periventricular, X-linked dominant (PVNH1). Also called: PERIVENTRICULAR NODULAR HETEROTOPIA 1; X-linked periventricular heterotopia; PERIVENTRICULAR NODULAR HETEROTOPIA 4; HETEROTOPIA, PERIVENTRICULAR, 1. Identifiers: Orphanet 2149, Orphanet 82004, MedGen C1848213, MONDO:0010233, OMIM 300049.
Oto-palato-digital syndrome, type II (OPD2). Also called: OPD II SYNDROME; FACIOPALATOOSSEOUS SYNDROME; Otopalatodigital Syndrome Type 2 (FLNA-OPD2); Otopalatodigital Syndrome, Type II. Identifiers: Orphanet 669, Orphanet 90652, MedGen C1844696, MONDO:0010571, OMIM 304120.
Frontometaphyseal dysplasia (FMD1). Identifiers: Orphanet 1826, MedGen C0265293, MONDO:0015942.
Melnick-Needles syndrome (MNS). Also called: MELNICK-NEEDLES OSTEODYSPLASTY; OSTEODYSPLASTY OF MELNICK AND NEEDLES; Melnick-Needles Syndrome (FLNA-MNS). Identifiers: Orphanet 2484, MedGen C0025237, MONDO:0010650, OMIM 309350.
Familial thoracic aortic aneurysm and aortic dissection (TAAD). Also called: Thoracic aortic aneurysms and dissections. Identifiers: Orphanet 91387, MedGen C4707243, MONDO:0019625.

Allele frequency attached by ClinVar (database versions not stated): gnomAD 0.00002; TOPMed 0.00002.

Submissions (4):

Ambry Genetics
Classification: Likely benign for Familial thoracic aortic aneurysm and aortic dissection. Last evaluated: 2024-07-07. Review status: criteria provided, single submitter. Criteria: Ambry Variant Classification Scheme 2023. Collection method: clinical testing. Allele origin: germline.

Labcorp Genetics (formerly Invitae), Labcorp
Classification: Likely benign for Oto-palato-digital syndrome, type II; Heterotopia, periventricular, X-linked dominant; Frontometaphyseal dysplasia; Melnick-Needles syndrome. Last evaluated: 2022-11-01. Review status: criteria provided, single submitter. Criteria: Invitae Variant Classification Sherloc (09022015). Collection method: clinical testing. Allele origin: germline.

GeneDx
Classification: Uncertain significance. Last evaluated: 2021-08-09. Review status: criteria provided, single submitter. Criteria: GeneDx Variant Classification Process June 2021. Collection method: clinical testing. Allele origin: germline. Affected: yes.
Comment: Has not been previously published as pathogenic or benign to our knowledge; In-silico analysis, which includes splice predictors and evolutionary conservation, is inconclusive as to whether the variant alters gene splicing. In the absence of RNA/functional studies, the actual effect of this sequence change is unknown.

ARUP Laboratories, Molecular Genetics and Genomics, ARUP Laboratories
Classification: Benign. Last evaluated: 2018-09-21. Review status: criteria provided, single submitter. Criteria: ARUP Molecular Germline Variant Investigation Process. Collection method: clinical testing. Allele origin: germline.